The following is an entry in ClinVar:

ClinVar aggregate classification (germline): Likely benign. Review status: criteria provided, multiple submitters, no conflicts (2 of 4 stars). 4 submissions from 4 submitters: Likely benign (3). 1 of the submissions does not count toward it. Last evaluated 2025-07-17.

Conditions:
Cataract 33. Also called: CATARACT 33, CORTICAL. Identifiers: Orphanet 91492, MedGen C3808107, MONDO:0012665, OMIM 611391.
BFSP1-related disorder. Also called: BFSP1-related condition.

Allele frequency attached by ClinVar (database versions not stated): 1000 Genomes Project 0.00040; 1000 Genomes Project 30x 0.00047; TOPMed 0.00065; gnomAD 0.00069 and 0.00072; ESP Exome Variant Server 0.00077; ExAC 0.00097.
gnomAD v4.1: 1,100 of 1,614,148 alleles (0.068%); highest among the groups gnomAD compares: Middle Eastern, 0.46%; 3 homozygotes.

Submissions (4):

Labcorp Genetics (formerly Invitae), Labcorp
Classification: Likely benign for Cataract 33. Last evaluated: 2025-07-17. Review status: criteria provided, single submitter. Criteria: Invitae Variant Classification Sherloc (09022015). Collection method: clinical testing. Allele origin: germline.

GeneDx
Classification: Likely benign. Last evaluated: 2020-01-13. Review status: criteria provided, single submitter. Criteria: GeneDx Variant Classification Process June 2021. Collection method: clinical testing. Allele origin: germline. Affected: yes.

Breakthrough Genomics
Classification: Likely benign. Review status: criteria provided, single submitter. Criteria: ACMG Guidelines, 2015. Collection method: not provided. Allele origin: germline. Inheritance: Autosomal recessive inheritance. Affected: yes.

PreventionGenetics, part of Exact Sciences
Classification: Likely benign for BFSP1-related condition. Last evaluated: 2019-11-04. Review status: no assertion criteria provided. Collection method: clinical testing. Allele origin: germline. Not counted in ClinVar's aggregate classification.
Comment: This variant is classified as likely benign based on ACMG/AMP sequence variant interpretation guidelines (Richards et al. 2015 PMID: 25741868, with internal and published modifications).

NM_001195.5(BFSP1):c.1775C>T (p.Ala592Val)

Gene: BFSP1 (beaded filament structural protein 1; minus strand). Cytogenetic location: 20p12.1.
Variant type: single nucleotide variant.
Coding change: c.1775C>T on transcript NM_001195.5 (MANE Select); coding-DNA position 1775, C replaced by T.
Protein change: p.Ala592Val; replaces alanine 592 with valine.
Molecular consequence: missense variant.
Genome position (GRCh38, 1-based): chr20:17,494,297, G>A on the plus strand (C>T on the coding strand, the complement: BFSP1 is on the minus strand). VCF-style: chr20-17494297-G-A. GRCh37 (hg19) VCF-style: chr20-17474942-G-A.
Other names: c.1400C>T, p.Ala467Val (NM_001161705.2); c.1358C>T, p.Ala453Val (NM_001278606.2, NM_001278608.2); c.1442C>T, p.Ala481Val (NM_001278607.2); short protein forms A592V, A481V, A453V, A467V.
Identifiers: ClinVar variation 474090 (VCV000474090.13), dbSNP rs145703098, ClinGen allele CA9771985.